The following is an entry in ClinVar:

ClinVar aggregate classification (germline): Conflicting classifications of pathogenicity. Review status: criteria provided, conflicting classifications (1 of 4 stars). 2 submissions from 2 submitters: Uncertain significance (1); Likely benign (1). Last evaluated 2026-03-27.

gnomAD v4.1: 5 of 1,613,602 alleles (0.00031%); highest among the groups gnomAD compares: Non-Finnish European, 0.00034%; no homozygotes.

Submissions (2):

Molecular Diagnostic Laboratory for Inherited Cardiovascular Disease, Montreal Heart Institute
Classification: Likely benign. Last evaluated: 2026-03-27. Review status: criteria provided, single submitter. Criteria: ACMG Guidelines, 2015. Collection method: clinical testing. Allele origin: germline. Affected: no.
Comment: BP1

Revvity Omics, Revvity
Classification: Uncertain significance. Last evaluated: 2024-03-05. Review status: criteria provided, single submitter. Criteria: ACMG Guidelines, 2015. Collection method: clinical testing. Allele origin: germline.

NM_001267550.2(TTN):c.89677T>G (p.Ser29893Ala)

Genes: TTN (titin; minus strand), TTN-AS1 (TTN antisense RNA 1; plus strand). Cytogenetic location: 2q31.2.
Variant type: single nucleotide variant.
Coding change: c.89677T>G on transcript NM_001267550.2 (MANE Select); coding-DNA position 89677, T replaced by G.
Protein change: p.Ser29893Ala; replaces serine 29893 with alanine.
Molecular consequence: missense variant.
Genome position (GRCh38, 1-based): chr2:178,553,223, A>C on the plus strand (T>G on the coding strand, the complement: TTN is on the minus strand). VCF-style: chr2-178553223-A-C. GRCh37 (hg19) VCF-style: chr2-179417950-A-C.
Other names: c.84754T>G, p.Ser28252Ala (NM_001256850.1); c.62482T>G, p.Ser20828Ala (NM_003319.4); c.81973T>G, p.Ser27325Ala (NM_133378.4); c.62857T>G, p.Ser20953Ala (NM_133432.3); c.63058T>G, p.Ser21020Ala (NM_133437.4); short protein forms S20828A, S20953A, S21020A, S27325A, S28252A, S29893A.
Identifiers: ClinVar variation 4080768 (VCV004080768.2), dbSNP rs1382237741.